The following is an entry in ClinVar:

NM_001040108.2(MLH3):c.4195_4197del (p.Ser1399del)

Gene: MLH3 (mutL homolog 3; minus strand). Cytogenetic location: 14q24.3.
Variant type: Deletion.
Coding change: c.4195_4197del on transcript NM_001040108.2 (MANE Select); coding-DNA positions 4195 to 4197, 3 bases deleted (TCT; older notation c.4195_4197delTCT).
Protein change: p.Ser1399del; deletes serine 1399.
Molecular consequence: inframe deletion.
Genome position (GRCh38, 1-based): chr14:75,018,874-75,018,876, AGA deleted on the plus strand (TCT on the coding strand, the reverse complement: MLH3 is on the minus strand); deleting any 3 consecutive bases within chr14:75,018,874-75,018,878 gives the same sequence; the c. name uses the placement nearest the transcript's 3' end. VCF-style (leftmost placement, unchanged base first): chr14-75018873-TAGA-T. GRCh37 (hg19) VCF-style: chr14-75485576-TAGA-T.
Other names: c.4123_4125del, p.Ser1375del (NM_014381.3); short protein forms S1375del, S1399del.
Identifiers: ClinVar variation 2716055 (VCV002716055.3), dbSNP rs1890076897, ClinGen allele CA645598198.

ClinVar aggregate classification (germline): Uncertain significance (1 of 4 stars; one submission).

Conditions:
Colorectal cancer, hereditary nonpolyposis, type 7. Identifiers: Orphanet 144, MedGen C1858380, MONDO:0013725, OMIM 614385.

Submission:

Labcorp Genetics (formerly Invitae), Labcorp
Classification: Uncertain significance for Colorectal cancer, hereditary nonpolyposis, type 7. Last evaluated: 2025-04-28. Review status: criteria provided, single submitter. Criteria: Invitae Variant Classification Sherloc (09022015). Collection method: clinical testing. Allele origin: germline.
Comment: This variant, c.4195_4197del, results in the deletion of 1 amino acid(s) of the MLH3 protein (p.Ser1399del), but otherwise preserves the integrity of the reading frame. This variant is not present in population databases (gnomAD no frequency). This variant has not been reported in the literature in individuals affected with MLH3-related conditions. ClinVar contains an entry for this variant (Variation ID: 2716055). Experimental studies and prediction algorithms are not available or were not evaluated, and the functional significance of this variant is currently unknown. In summary, the available evidence is currently insufficient to determine the role of this variant in disease. Therefore, it has been classified as a Variant of Uncertain Significance.